The following is an entry in ClinVar:

ClinVar aggregate classification (germline): Uncertain significance. Review status: criteria provided, multiple submitters, no conflicts (2 of 4 stars). 3 submissions from 2 submitters: Uncertain significance (3). Last evaluated 2021-09-17.

Conditions:
Autosomal recessive nonsyndromic hearing loss 12. Also called: DEAFNESS, AUTOSOMAL RECESSIVE 12. Identifiers: Orphanet 90636, MedGen C1832394, MONDO:0011067, OMIM 601386.
Usher syndrome type 1D (USH1D). Also called: USHER SYNDROME, TYPE ID. Identifiers: Orphanet 231169, Orphanet 886, MedGen C1832845, MONDO:0010984, OMIM 601067.

Allele frequency attached by ClinVar (database versions not stated): gnomAD 0.00001.
gnomAD v4.1: 1 of 1,613,228 alleles (0.000062%); highest among the groups gnomAD compares: Non-Finnish European, 0.000085%; no homozygotes.

Submissions (3):

Labcorp Genetics (formerly Invitae), Labcorp
Classification: Uncertain significance. Last evaluated: 2021-09-17. Review status: criteria provided, single submitter. Criteria: Invitae Variant Classification Sherloc (09022015). Collection method: clinical testing. Allele origin: germline.
Comment: This sequence change replaces valine with phenylalanine at codon 3180 of the CDH23 protein (p.Val3180Phe). The valine residue is highly conserved and there is a small physicochemical difference between valine and phenylalanine. This variant is not present in population databases (ExAC no frequency). This variant has not been reported in the literature in individuals with CDH23-related conditions. Algorithms developed to predict the effect of missense changes on protein structure and function are either unavailable or do not agree on the potential impact of this missense change (SIFT: "Deleterious"; PolyPhen-2: "Not Available"; Align-GVGD: "Class C0"). In summary, the available evidence is currently insufficient to determine the role of this variant in disease. Therefore, it has been classified as a Variant of Uncertain Significance.

Genome-Nilou Lab
Classification: Uncertain significance for Autosomal recessive nonsyndromic hearing loss 12. Last evaluated: 2021-07-14. Review status: criteria provided, single submitter. Criteria: ACMG Guidelines, 2015. Collection method: clinical testing. Allele origin: germline. Affected: no.

Genome-Nilou Lab
Classification: Uncertain significance for Usher syndrome type 1D. Last evaluated: 2021-07-14. Review status: criteria provided, single submitter. Criteria: ACMG Guidelines, 2015. Collection method: clinical testing. Allele origin: germline. Affected: no.

NM_022124.6(CDH23):c.9538G>T (p.Val3180Phe)

Gene: CDH23 (cadherin related 23; plus strand). Cytogenetic location: 10q22.1.
Variant type: single nucleotide variant.
Coding change: c.9538G>T on transcript NM_022124.6 (MANE Select); coding-DNA position 9538, G replaced by T.
Protein change: p.Val3180Phe; replaces valine 3180 with phenylalanine.
Molecular consequence: missense variant.
Genome position (GRCh38, 1-based): chr10:71,812,795, G>T. VCF-style: chr10-71812795-G-T. GRCh37 (hg19) VCF-style: chr10-73572552-G-T.
Other names: c.2818G>T, p.Val940Phe (NM_001171933.1, NM_001171934.1); c.229G>T, p.Val77Phe (NM_001171935.1, NM_001171936.1); short protein forms V3180F, V77F, V940F.
Identifiers: ClinVar variation 1195952 (VCV001195952.8), dbSNP rs557490269, ClinGen allele CA377136986.